The following is an entry in ClinVar:

NM_001080449.3(DNA2):c.2713C>A (p.Gln905Lys)

Gene: DNA2 (DNA replication helicase/nuclease 2; minus strand). Cytogenetic location: 10q21.3.
Variant type: single nucleotide variant.
Coding change: c.2713C>A on transcript NM_001080449.3 (MANE Select); coding-DNA position 2713, C replaced by A.
Protein change: p.Gln905Lys; replaces glutamine 905 with lysine.
Molecular consequence: missense variant. On other transcripts: non-coding transcript variant (1).
Genome position (GRCh38, 1-based): chr10:68,419,877, G>T on the plus strand (C>A on the coding strand, the complement: DNA2 is on the minus strand). VCF-style: chr10-68419877-G-T. GRCh37 (hg19) VCF-style: chr10-70179634-G-T.
Other names: p.Gln905Lys; short protein forms Q905K.
Identifiers: ClinVar variation 445782 (VCV000445782.61), dbSNP rs181679245, ClinGen allele CA5524743.

ClinVar aggregate classification (germline): Benign/Likely benign. Review status: criteria provided, multiple submitters, no conflicts (2 of 4 stars). 8 submissions from 8 submitters: Benign (3); Likely benign (5). Last evaluated 2026-09-01.

Conditions:
Inborn genetic diseases. Identifiers: MedGen C0950123, MeSH D030342.

Allele frequency attached by ClinVar (database versions not stated): 1000 Genomes Project 0.00140; 1000 Genomes Project 30x 0.00141; gnomAD exomes 0.00421 and 0.00730; TOPMed 0.00430; gnomAD 0.00440 and 0.00459; ExAC 0.00446; ESP Exome Variant Server 0.00695.
gnomAD v4.1: 11,215 of 1,613,568 alleles (0.7%); highest among the groups gnomAD compares: Non-Finnish European, 0.89%; 50 homozygotes.

Submissions (8):

CeGaT Center for Human Genetics Tuebingen
Classification: Likely benign. Last evaluated: 2026-09-01. Review status: criteria provided, single submitter. Criteria: CeGaT Center For Human Genetics Tuebingen Variant Classification Criteria Version 2. Collection method: clinical testing. Allele origin: germline. Affected: yes. Observed: 43 variant alleles.
Comment: DNA2: PP2, BP4, BS2

Labcorp Genetics (formerly Invitae), Labcorp
Classification: Benign. Last evaluated: 2026-02-04. Review status: criteria provided, single submitter. Criteria: Invitae Variant Classification Sherloc (09022015). Collection method: clinical testing. Allele origin: germline.

Mayo Clinic Laboratories, Mayo Clinic
Classification: Benign. Last evaluated: 2024-12-05. Review status: criteria provided, single submitter. Criteria: ACMG Guidelines, 2015. Collection method: clinical testing. Allele origin: germline. Observed: 13 variant alleles.
Comment: BA1, BS2

Blueprint Genetics
Classification: Likely benign. Last evaluated: 2024-11-26. Review status: criteria provided, single submitter. Criteria: ACMG Guidelines, 2015. Collection method: clinical testing. Allele origin: germline.

Ambry Genetics
Classification: Likely benign for Inborn genetic diseases. Last evaluated: 2021-10-18. Review status: criteria provided, single submitter. Criteria: Ambry Variant Classification Scheme 2023. Collection method: clinical testing. Allele origin: germline.

GeneDx
Classification: Benign. Last evaluated: 2021-01-15. Review status: criteria provided, single submitter. Criteria: GeneDx Variant Classification Process June 2021. Collection method: clinical testing. Allele origin: germline. Affected: yes.
Comment: This variant is associated with the following publications: (PMID: 23859901)

Genetic Services Laboratory, University of Chicago
Classification: Likely benign. Last evaluated: 2020-10-27. Review status: criteria provided, single submitter. Criteria: ACMG Guidelines, 2015. Collection method: clinical testing. Allele origin: germline. Affected: no.

Center for Pediatric Genomic Medicine, Children's Mercy Hospital and Clinics
Classification: Likely benign. Last evaluated: 2017-05-15. Review status: criteria provided, single submitter. Criteria: ACMG Guidelines, 2015. Collection method: clinical testing. Allele origin: germline.